The following is an entry in ClinVar:

ClinVar aggregate classification (germline): Uncertain significance (1 of 4 stars; one submission).

Allele frequency attached by ClinVar (database versions not stated): gnomAD 0.00001.
gnomAD v4.1: 3 of 1,614,090 alleles (0.00019%); highest among the groups gnomAD compares: Admixed American, 0.0017%; no homozygotes.

Submission:

Labcorp Genetics (formerly Invitae), Labcorp
Classification: Uncertain significance. Last evaluated: 2022-06-27. Review status: criteria provided, single submitter. Criteria: Invitae Variant Classification Sherloc (09022015). Collection method: clinical testing. Allele origin: germline.
Comment: This sequence change replaces glutamic acid, which is acidic and polar, with glycine, which is neutral and non-polar, at codon 788 of the TRPM1 protein (p.Glu788Gly). This variant is not present in population databases (gnomAD no frequency). This variant has not been reported in the literature in individuals affected with TRPM1-related conditions. Algorithms developed to predict the effect of missense changes on protein structure and function (SIFT, PolyPhen-2, Align-GVGD) all suggest that this variant is likely to be tolerated. In summary, the available evidence is currently insufficient to determine the role of this variant in disease. Therefore, it has been classified as a Variant of Uncertain Significance.

NM_001252024.2(TRPM1):c.2429A>G (p.Glu810Gly)

Gene: TRPM1 (transient receptor potential cation channel subfamily M member 1; minus strand). Cytogenetic location: 15q13.3.
Variant type: single nucleotide variant.
Coding change: c.2429A>G on transcript NM_001252024.2 (MANE Select); coding-DNA position 2429, A replaced by G.
Protein change: p.Glu810Gly; replaces glutamic acid 810 with glycine.
Molecular consequence: missense variant.
Genome position (GRCh38, 1-based): chr15:31,038,054, T>C on the plus strand (A>G on the coding strand, the complement: TRPM1 is on the minus strand). VCF-style: chr15-31038054-T-C. GRCh37 (hg19) VCF-style: chr15-31330257-T-C.
Other names: c.2480A>G, p.Glu827Gly (NM_001252020.2); c.2363A>G, p.Glu788Gly (NM_002420.6); short protein forms E788G, E810G, E827G.
Identifiers: ClinVar variation 1387617 (VCV001387617.6), dbSNP rs940968387, ClinGen allele CA267519523.